The following is an entry in ClinVar:

NM_021828.5(HPSE2):c.1217C>G (p.Thr406Ser)

Gene: HPSE2 (heparanase 2 (inactive); minus strand). Cytogenetic location: 10q24.2.
Variant type: single nucleotide variant.
Coding change: c.1217C>G on transcript NM_021828.5 (MANE Select); coding-DNA position 1217, C replaced by G.
Protein change: p.Thr406Ser; replaces threonine 406 with serine.
Molecular consequence: missense variant.
Genome position (GRCh38, 1-based): chr10:98,615,007, G>C on the plus strand (C>G on the coding strand, the complement: HPSE2 is on the minus strand). VCF-style: chr10-98615007-G-C. GRCh37 (hg19) VCF-style: chr10-100374764-G-C.
Other names: c.1043C>G, p.Thr348Ser (NM_001166244.1); c.881C>G, p.Thr294Ser (NM_001166245.1); c.1217C>G, p.Thr406Ser (NM_001166246.1); short protein forms T348S, T294S, T406S.
Identifiers: ClinVar variation 1906311 (VCV001906311.5), dbSNP rs985889216, ClinGen allele CA212714307.

ClinVar aggregate classification (germline): Uncertain significance (1 of 4 stars; one submission).

Allele frequency attached by ClinVar (database versions not stated): gnomAD exomes below 0.00001; TOPMed 0.00001.
gnomAD v4.1: 2 of 1,612,776 alleles (0.00012%); highest among the groups gnomAD compares: Admixed American, 0.0033%; no homozygotes.

Submission:

Labcorp Genetics (formerly Invitae), Labcorp
Classification: Uncertain significance. Last evaluated: 2022-04-11. Review status: criteria provided, single submitter. Criteria: Invitae Variant Classification Sherloc (09022015). Collection method: clinical testing. Allele origin: germline.
Comment: In summary, the available evidence is currently insufficient to determine the role of this variant in disease. Therefore, it has been classified as a Variant of Uncertain Significance. Algorithms developed to predict the effect of sequence changes on RNA splicing suggest that this variant may create or strengthen a splice site. Algorithms developed to predict the effect of missense changes on protein structure and function are either unavailable or do not agree on the potential impact of this missense change (SIFT: "Deleterious"; PolyPhen-2: "Benign"; Align-GVGD: "Class C55"). This variant has not been reported in the literature in individuals affected with HPSE2-related conditions. This variant is present in population databases (no rsID available, gnomAD 0.003%). This sequence change replaces threonine, which is neutral and polar, with serine, which is neutral and polar, at codon 406 of the HPSE2 protein (p.Thr406Ser).